The following is an entry in ClinVar:

ClinVar aggregate classification (germline): Conflicting classifications of pathogenicity. Review status: criteria provided, conflicting classifications (1 of 4 stars). 5 submissions from 5 submitters: Uncertain significance (1); Benign (1); Likely benign (2). 1 of the submissions does not count toward it. Last evaluated 2025-09-13.

Conditions:
RHO-related disorder. Also called: RHO-related condition.
Retinal dystrophy. Also called: Inherited retinal dystrophy. Identifiers: Orphanet 71862, MedGen C0854723, MeSH D058499, MONDO:0019118, HP:0000556.
Pigmentary retinal dystrophy. Also called: Fundus albipunctatus. Identifiers: Orphanet 227796, Orphanet 52427, MedGen C0311338, MONDO:0007639, OMIM 136880, HP:0030642.
Retinitis pigmentosa 4 (RP4). Also called: RETINITIS PIGMENTOSA, RHODOPSIN-RELATED. Identifiers: Orphanet 791, MedGen C3151001, MONDO:0013395, OMIM 613731.
Congenital stationary night blindness autosomal dominant 1. Also called: NIGHT BLINDNESS, CONGENITAL STATIONARY, RHODOPSIN-RELATED. Identifiers: Orphanet 215, MedGen C1864869, MONDO:0012498, OMIM 610445.

Allele frequency attached by ClinVar (database versions not stated): gnomAD exomes 0.00014 and 0.00021; gnomAD 0.00015 and 0.00019; ExAC 0.00021; TOPMed 0.00026; ESP Exome Variant Server 0.00031; 1000 Genomes Project 0.00040; 1000 Genomes Project 30x 0.00047.

Submissions (5):

Labcorp Genetics (formerly Invitae), Labcorp
Classification: Likely benign. Last evaluated: 2025-09-13. Review status: criteria provided, single submitter. Criteria: Invitae Variant Classification Sherloc (09022015). Collection method: clinical testing. Allele origin: germline.

Blueprint Genetics
Classification: Likely benign. Last evaluated: 2024-07-03. Review status: criteria provided, single submitter. Criteria: ACMG Guidelines, 2015. Collection method: clinical testing. Allele origin: germline.

Dept Of Ophthalmology, Nagoya University
Classification: Benign for Retinal dystrophy. Last evaluated: 2023-10-01. Review status: criteria provided, single submitter. Criteria: Submitter's publication. Collection method: research. Allele origin: germline. Affected: yes.

Fulgent Genetics
Classification: Uncertain significance for Pigmentary retinal dystrophy; Congenital stationary night blindness autosomal dominant 1; Retinitis pigmentosa 4. Last evaluated: 2022-02-23. Review status: criteria provided, single submitter. Criteria: ACMG Guidelines, 2015. Collection method: clinical testing. Allele origin: unknown.

PreventionGenetics, part of Exact Sciences
Classification: Likely benign for RHO-related condition. Last evaluated: 2024-09-12. Review status: no assertion criteria provided. Collection method: clinical testing. Allele origin: germline. Not counted in ClinVar's aggregate classification.
Comment: This variant is classified as likely benign based on ACMG/AMP sequence variant interpretation guidelines (Richards et al. 2015 PMID: 25741868, with internal and published modifications).

NM_000539.3(RHO):c.310G>A (p.Val104Ile)

Gene: RHO (rhodopsin; plus strand). Cytogenetic location: 3q22.1.
Variant type: single nucleotide variant.
Coding change: c.310G>A on transcript NM_000539.3 (MANE Select); coding-DNA position 310, G replaced by A.
Protein change: p.Val104Ile; replaces valine 104 with isoleucine.
Molecular consequence: missense variant.
Genome position (GRCh38, 1-based): chr3:129,529,043, G>A. VCF-style: chr3-129529043-G-A. GRCh37 (hg19) VCF-style: chr3-129247886-G-A.
Other names: short protein forms V104I.
Identifiers: ClinVar variation 860981 (VCV000860981.14), dbSNP rs144317206, ClinGen allele CA2607107.